The following is an entry in ClinVar:

NM_000051.4(ATM):c.9048del (p.Lys3016fs)

Genes: ATM (ATM serine/threonine kinase; plus strand), C11orf65 (chromosome 11 open reading frame 65; minus strand). Cytogenetic location: 11q22.3.
Variant type: Deletion.
Coding change: c.9048del on transcript NM_000051.4 (MANE Select); coding-DNA position 9048, one base deleted (A; older notation c.9048delA).
Protein change: p.Lys3016fs; shifts the reading frame from lysine 3016.
Molecular consequence: frameshift variant. On other transcripts: intron variant (2).
Genome position (GRCh38, 1-based): chr11:108,365,385, A deleted; the last of 3 consecutive A bases (chr11:108,365,383-108,365,385); deleting any one gives the same sequence. VCF-style (leftmost placement, unchanged base first): chr11-108365382-GA-G. GRCh37 (hg19) VCF-style: chr11-108236109-GA-G.
Other names: c.9048del, p.Lys3016fs (NM_001351834.2); c.640+20537del (NM_001330368.2); c.694+20537del (NM_001351110.2); short protein forms K3016fs.
Identifiers: ClinVar variation 4071440 (VCV004071440.1).

ClinVar aggregate classification (germline): Pathogenic (1 of 4 stars; one submission).

Conditions:
Familial cancer of breast. Also called: BREAST CANCER, FAMILIAL; Hereditary breast cancer; hereditary breast carcinoma. Identifiers: Orphanet 227535, MedGen C0346153, MONDO:0016419, OMIM 114480. Disease mechanism: loss of function.

Submission:

Myriad Genetics, Inc.
Classification: Pathogenic for Familial cancer of breast. Last evaluated: 2025-04-01. Review status: criteria provided, single submitter. Criteria: Myriad Autosomal Dominant, Autosomal Recessive and X-Linked Classification Criteria (2023). Collection method: clinical testing. Allele origin: unknown.
Comment: This variant is considered pathogenic. This variant creates a frameshift predicted to result in premature protein truncation.